The following is an entry in ClinVar:

ClinVar aggregate classification (germline): Uncertain significance (1 of 4 stars; one submission).

Conditions:
Joubert syndrome. Also called: CEREBELLOPARENCHYMAL DISORDER IV; JOUBERT-BOLTSHAUSER SYNDROME; Familial aplasia of the vermis. Identifiers: Orphanet 475, MedGen C5979921, MONDO:0018772.
Meckel-Gruber syndrome. Also called: DYSENCEPHALIA SPLANCHNOCYSTICA; GRUBER SYNDROME; Dysencephalia splachnocystica. Identifiers: Orphanet 564, MedGen C0265215, MONDO:0018921.

Submission:

Labcorp Genetics (formerly Invitae), Labcorp
Classification: Uncertain significance for Joubert syndrome; Meckel-Gruber syndrome. Last evaluated: 2022-03-15. Review status: criteria provided, single submitter. Criteria: Invitae Variant Classification Sherloc (09022015). Collection method: clinical testing. Allele origin: germline.
Comment: This variant is not present in population databases (gnomAD no frequency). This sequence change falls in intron 16 of the TCTN2 gene. It does not directly change the encoded amino acid sequence of the TCTN2 protein. This variant has not been reported in the literature in individuals affected with TCTN2-related conditions. In summary, the available evidence is currently insufficient to determine the role of this variant in disease. Therefore, it has been classified as a Variant of Uncertain Significance. Algorithms developed to predict the effect of sequence changes on RNA splicing suggest that this variant may create or strengthen a splice site.

NM_024809.5(TCTN2):c.1896-16_1896-15insACTTGTAGTTTTTG

Gene: TCTN2 (tectonic family member 2; plus strand). Cytogenetic location: 12q24.31.
Variant type: Insertion.
Coding change: c.1896-16_1896-15insACTTGTAGTTTTTG on transcript NM_024809.5 (MANE Select); 16 bases into the intron before coding-DNA position 1896 through 15 bases into the intron before coding-DNA position 1896, ACTTGTAGTTTTTG inserted.
Molecular consequence: intron variant.
Genome position: GRCh38 VCF-style: chr12-123706969-C-CACTTGTAGTTTTTG. GRCh37 (hg19) VCF-style: chr12-124191516-C-CACTTGTAGTTTTTG.
Other names: c.1893-16_1893-15insACTTGTAGTTTTTG (NM_001143850.3).
Identifiers: ClinVar variation 2106183 (VCV002106183.4), dbSNP rs2541811220, ClinGen allele CA2580085954.
Genomic context (GRCh38, chr12:123,706,969, plus strand): 5'-TTGGAAGTTTATTCCTTTAATCAAGTTCTGATACTTCTCACTTGTAGTTTTTGTAACCCT[C>CACTTGTAGTTTTTG]TAAAATGTTTTCTAGATTCCAGATCAATTATACAGAGTATGACTGCAACAGAAATGAGGT-3'